The following is an entry in ClinVar:

NM_004304.5(ALK):c.772C>G (p.His258Asp)

Gene: ALK (ALK receptor tyrosine kinase; minus strand). Cytogenetic location: 2p23.2.
Variant type: single nucleotide variant.
Coding change: c.772C>G on transcript NM_004304.5 (MANE Select); coding-DNA position 772, C replaced by G.
Protein change: p.His258Asp; replaces histidine 258 with aspartic acid.
Molecular consequence: missense variant.
Genome position (GRCh38, 1-based): chr2:29,717,593, G>C on the plus strand (C>G on the coding strand, the complement: ALK is on the minus strand). VCF-style: chr2-29717593-G-C. GRCh37 (hg19) VCF-style: chr2-29940459-G-C.
Other names: short protein forms H258D.
Identifiers: ClinVar variation 1760345 (VCV001760345.2), dbSNP rs1679299436, ClinGen allele CA346587634.
Genomic context (GRCh38, chr2:29,717,593, plus strand): 5'-AGATAGTGACAGTGTATCTCAAGTAAATATTAAACATATACTTACCATATCGGCTGCGAT[G>C]AGACAGGAAAGGGAAGGAGTCTTTCATTATCCAGGTGAGATTCCATGTAAAATAATCAGG-3'
Protein context (NP_004295.2, residues 248-268): IMKDSFPFLS[His258Asp]RSRYGLECSF

ClinVar aggregate classification (germline): Uncertain significance (1 of 4 stars; one submission).

Conditions:
Hereditary cancer-predisposing syndrome. Also called: Neoplastic Syndromes, Hereditary; Tumor predisposition; Hereditary Cancer Syndrome; Hereditary neoplastic syndrome. Identifiers: Orphanet 140162, MedGen C0027672, MeSH D009386, MONDO:0015356.

Allele frequency attached by ClinVar (database versions not stated): TOPMed below 0.00001.
gnomAD v4.1: 3 of 1,614,072 alleles (0.00019%); highest among the groups gnomAD compares: Non-Finnish European, 0.00025%; no homozygotes.

Submission:

Ambry Genetics
Classification: Uncertain significance for Hereditary cancer-predisposing syndrome. Last evaluated: 2022-05-10. Review status: criteria provided, single submitter. Criteria: Ambry Variant Classification Scheme 2023. Collection method: clinical testing. Allele origin: germline.
Comment: The p.H258D variant (also known as c.772C>G), located in coding exon 2 of the ALK gene, results from a C to G substitution at nucleotide position 772. The histidine at codon 258 is replaced by aspartic acid, an amino acid with similar properties. This amino acid position is conserved. In addition, the in silico prediction for this alteration is inconclusive. Since supporting evidence is limited at this time, the clinical significance of this alteration remains unclear.